The following is an entry in ClinVar:

ClinVar aggregate classification (germline): Pathogenic/Likely pathogenic. Review status: criteria provided, multiple submitters, no conflicts (2 of 4 stars). 6 submissions from 6 submitters: Pathogenic (4); Likely pathogenic (1). 1 of the submissions does not count toward it. Last evaluated 2025-03-25.

Conditions:
Inborn genetic diseases. Identifiers: MedGen C0950123, MeSH D030342.
Congenital muscular hypertrophy-cerebral syndrome (CDLS2). Also called: SMC1A-Related Cornelia de Lange Syndrome; Cornelia de Lange syndrome 2. Identifiers: Orphanet 199, MedGen C1802395, MONDO:0010370, OMIM 300590.
Microcephaly. Also called: Microcephaly (disease). Identifiers: MedGen C4551563, MONDO:0001149, HP:0000252.

Submissions (6):

GeneDx
Classification: Pathogenic. Last evaluated: 2025-03-25. Review status: criteria provided, single submitter. Criteria: GeneDx Variant Classification Process June 2021. Collection method: clinical testing. Allele origin: germline. Affected: yes.
Comment: Missense variants in this gene are a common cause of disease and they are underrepresented in the general population; In silico analysis supports that this missense variant has a deleterious effect on protein structure/function; Not observed at significant frequency in large population cohorts (gnomAD); This variant is associated with the following publications: (PMID: 17273969, 24124034, 28425213, 25125236, 33584783, 16604071, 39831465, 38178268)

Victorian Clinical Genetics Services, Murdoch Childrens Research Institute
Classification: Pathogenic for Congenital muscular hypertrophy-cerebral syndrome. Last evaluated: 2024-10-09. Review status: criteria provided, single submitter. Criteria: ACMG Guidelines, 2015. Collection method: clinical testing. Allele origin: germline. Inheritance: X-linked dominant inheritance. Affected: yes.
Comment: Based on the classification scheme VCGS_Germline_v1.3.4, this variant is classified as Pathogenic. Following criteria are met: 0102 - Loss of function is a known mechanism of disease in this gene and is associated with Cornelia de Lange syndrome 2 (MIM#300590) and developmental and epileptic encephalopathy 85, with or without midline brain defects (MIM#301044). Dominant negative is a suggested mechanism of disease for missense variants (PMID: 17273969, 19701948). (I). 0110 - This gene is associated with X-linked dominant disease. (I) 0200 - Variant is predicted to result in a missense amino acid change from arginine to tryptophan. (I) 0251 - This variant is heterozygous. (I) 0301 - Variant is absent from gnomAD (both v2 and v3). (SP) 0501 - Missense variant consistently predicted to be damaging by multiple in silico tools or highly conserved with a major amino acid change. (SP) 0603 - Missense variant in a region that is highly intolerant to missense variation (high constraint region in DECIPHER). (SP) 0703 - Another missense variant comparable to the one identified in this case has moderate previous evidence for pathogenicity. p.(Arg790Gln) has been classified as pathogenic by clinical laboratories in ClinVar. (SP) 0802 - This variant has moderate previous evidence of pathogenicity in unrelated individuals. This variant has been classified as pathogenic or likely pathogenic by clinical laboratories in ClinVar. It has also been observed as heterozygous or hemizygous in individuals with Cornelia de Lange syndrome in the literature, including at least 1 de novo occurence (PMID: 28425213, 33584783, 25125236). (SP) 1007 - No published functional evidence has been identified for this variant. (SP) Legend: (SP) - Supporting pathogenic, (I) - Information, (SB) - Supporting benign

Labcorp Genetics (formerly Invitae), Labcorp
Classification: Pathogenic for Congenital muscular hypertrophy-cerebral syndrome. Last evaluated: 2019-12-27. Review status: criteria provided, single submitter. Criteria: Invitae Variant Classification Sherloc (09022015). Collection method: clinical testing. Allele origin: germline.
Comment: For these reasons, this variant has been classified as Pathogenic. A different missense substitution at this codon (p.Arg790Gln) has been determined to be pathogenic (PMID: 17273969, 25125236). This suggests that the arginine residue is critical for SMC1A protein function and that other missense substitutions at this position may also be pathogenic. Algorithms developed to predict the effect of missense changes on protein structure and function (SIFT, PolyPhen-2, Align-GVGD) all suggest that this variant is likely to be disruptive, but these predictions have not been confirmed by published functional studies and their clinical significance is uncertain. This variant has been reported to be de novo in an individual affected with Cornelia de Lange syndrome (PMID: 25125236). ClinVar contains an entry for this variant (Variation ID: 159950). This variant is not present in population databases (ExAC no frequency). This sequence change replaces arginine with tryptophan at codon 790 of the SMC1A protein (p.Arg790Trp). The arginine residue is highly conserved and there is a moderate physicochemical difference between arginine and tryptophan.

Ambry Genetics
Classification: Likely pathogenic for Inborn genetic diseases. Last evaluated: 2017-11-21. Review status: criteria provided, single submitter. Criteria: Ambry Variant Classification Scheme 2023. Collection method: clinical testing. Allele origin: germline.
Comment: The p.R790W variant (also known as c.2368C>T), located in coding exon 15 of the SMC1A gene, results from a C to T substitution at nucleotide position 2368. The arginine at codon 790 is replaced by tryptophan, an amino acid with dissimilar properties. This alteration was detected as a de novo occurrence in an individual with either a possible or confirmed diagnosis of Cornelia de Lange Syndrome (CdLS) (Ansari M et al. J. Med. Genet., 2014 Oct;51:659-68; Moss J et al. Am. J. Med. Genet. A, 2017 Jun;173:1566-1574). A different alteration located at the same position, p.R790Q (c.2369G>A), has been detected as de novo occurrences in three individuals: one with a CdLS phenotype of moderate severity, and two with possible or confirmed diagnoses of CdLS (Ansari M et al. J. Med. Genet., 2014 Oct;51:659-68; Gervasini C et al. Am. J. Med. Genet. A, 2013 Nov;161A:2909-19; Deardorff MA et al. Am. J. Hum. Genet., 2007 Mar;80:485-94). This amino acid position is highly conserved in available vertebrate species. In addition, the p.R790W alteration is predicted to be probably damaging and deleterious by PolyPhen and SIFT in silico analyses, respectively. Based on the majority of available evidence to date, this variant is likely to be pathogenic.

Genetic Services Laboratory, University of Chicago
Classification: Pathogenic for Cornelia de Lange syndrome 2. Last evaluated: 2014-05-01. Review status: criteria provided, single submitter. Criteria: ACMG Guidelines, 2015. Collection method: clinical testing. Allele origin: germline. Inheritance: X-linked inheritance. Affected: yes.

Department of Pediatrics, Samsung Medical Center, Samsung Medical Center
Classification: Likely pathogenic for Microcephaly. Review status: no assertion criteria provided. Criteria: ACMG Guidelines, 2015. Collection method: research. Allele origin: maternal. Affected: yes. Not counted in ClinVar's aggregate classification.

Literature cited by the submitters: PubMed 17273969 (cited by 3 submitters); PubMed 19701948 (cited by Victorian Clinical Genetics Services, Murdoch Childrens Research Institute); PubMed 25125236 (cited by 3 submitters); PubMed 28425213 (cited by Victorian Clinical Genetics Services, Murdoch Childrens Research Institute and Ambry Genetics); PubMed 33584783 (cited by Victorian Clinical Genetics Services, Murdoch Childrens Research Institute); PubMed 24124034 (cited by Ambry Genetics); PubMed 26358754 (cited by Ambry Genetics); PubMed 28548707 (cited by Ambry Genetics).

NM_006306.4(SMC1A):c.2368C>T (p.Arg790Trp)

Gene: SMC1A (structural maintenance of chromosomes 1A; minus strand). Cytogenetic location: Xp11.22.
Variant type: single nucleotide variant.
Coding change: c.2368C>T on transcript NM_006306.4 (MANE Select); coding-DNA position 2368, C replaced by T.
Protein change: p.Arg790Trp; replaces arginine 790 with tryptophan.
Molecular consequence: missense variant.
Genome position (GRCh38, 1-based): chrX:53,403,618, G>A on the plus strand (C>T on the coding strand, the complement: SMC1A is on the minus strand). VCF-style: chrX-53403618-G-A. GRCh37 (hg19) VCF-style: chrX-53430550-G-A.
Other names: c.2302C>T, p.Arg768Trp (NM_001281463.1); short protein forms R790W, R768W.
Identifiers: ClinVar variation 159950 (VCV000159950.23), dbSNP rs587784412, ClinGen allele CA272550.
Genomic context (GRCh38, chrX:53,403,618, plus strand): 5'-CCACCTACCGCTTCTTGGCGATTTCATTCTGCCGTTTCACCTTTTCTTCCTCAAACTCCC[G>A]GATGTTGCGCACACCAATCTCCCGACAAAACTCTTCAAACACCTCATCCTCTACCTGAGA-3'
Protein context (NP_006297.2, residues 780-800): FCREIGVRNI[Arg790Trp]EFEEEKVKRQ